The following is an entry in ClinVar:

NM_024642.5(GALNT12):c.1665G>A (p.Ser555=)

Gene: GALNT12 (polypeptide N-acetylgalactosaminyltransferase 12; plus strand). Cytogenetic location: 9q22.33.
Variant type: single nucleotide variant.
Coding change: c.1665G>A on transcript NM_024642.5 (MANE Select); coding-DNA position 1665, G replaced by A.
Protein change: p.Ser555=; no amino-acid change (serine 555 retained).
Molecular consequence: synonymous variant.
Genome position (GRCh38, 1-based): chr9:98,849,011, G>A. VCF-style: chr9-98849011-G-A. GRCh37 (hg19) VCF-style: chr9-101611293-G-A.
Identifiers: ClinVar variation 1777564 (VCV001777564.3), dbSNP rs952364539, ClinGen allele CA196833980.
Genomic context (GRCh38, chr9:98,849,011, plus strand): 5'-GGATGGATCTTTATTTCACGAACAGTCCAAGAAATGTGTCCAGGCTGCGAGGAAGGAGTC[G>A]AGTGACAGTTTCGTTCCACTCTTACGAGACTGCACCAACTCGGATCATCAGAAATGGTTC-3'
Protein context (NP_078918.3, residues 545-565): KKCVQAARKE[Ser555=]SDSFVPLLRD

ClinVar aggregate classification (germline): Benign/Likely benign. Review status: criteria provided, multiple submitters, no conflicts (2 of 4 stars). 2 submissions from 2 submitters: Benign (1); Likely benign (1). Last evaluated 2026-04-27.

Conditions:
Colorectal cancer, susceptibility to, 1. Also called: COLORECTAL ADENOMA AND CANCER, SUSCEPTIBILITY TO; COLORECTAL CANCER, SUSCEPTIBILITY TO, ON CHROMOSOME 9. Identifiers: MedGen C1837315, MONDO:0012132, OMIM 608812.

Allele frequency attached by ClinVar (database versions not stated): TOPMed 0.00001; gnomAD exomes below 0.00001; gnomAD 0.00001.
gnomAD v4.1: 8 of 1,614,008 alleles (0.0005%); highest among the groups gnomAD compares: African/African-American, 0.0013%; no homozygotes.

Submissions (2):

Myriad Genetics, Inc.
Classification: Benign for Colorectal cancer, susceptibility to, 1. Last evaluated: 2026-04-27. Review status: criteria provided, single submitter. Criteria: Myriad Autosomal Dominant, Autosomal Recessive and X-Linked Classification Criteria (2023). Collection method: clinical testing. Allele origin: unknown.
Comment: This variant is considered benign. This variant is a silent/synonymous amino acid change and it is not expected to impact splicing.

Ambry Genetics
Classification: Likely benign. Last evaluated: 2022-06-13. Review status: criteria provided, single submitter. Criteria: Ambry Variant Classification Scheme 2023. Collection method: clinical testing. Allele origin: germline.